The following is an entry in ClinVar:

ClinVar aggregate classification (germline): Pathogenic. Review status: criteria provided, multiple submitters, no conflicts (2 of 4 stars). 3 submissions from 3 submitters: Pathogenic (3). Last evaluated 2025-08-16.

Conditions:
Carnitine acylcarnitine translocase deficiency (CACTD). Identifiers: Orphanet 159, MedGen C0342791, MONDO:0008918, OMIM 212138.

Submissions (3):

Labcorp Genetics (formerly Invitae), Labcorp
Classification: Pathogenic for Carnitine acylcarnitine translocase deficiency. Last evaluated: 2025-08-16. Review status: criteria provided, single submitter. Criteria: Invitae Variant Classification Sherloc (09022015). Collection method: clinical testing. Allele origin: germline.
Comment: This sequence change creates a premature translational stop signal (p.Phe64*) in the SLC25A20 gene. It is expected to result in an absent or disrupted protein product. Loss-of-function variants in SLC25A20 are known to be pathogenic (PMID: 25614308). This variant is not present in population databases (gnomAD no frequency). This variant has not been reported in the literature in individuals affected with SLC25A20-related conditions. ClinVar contains an entry for this variant (Variation ID: 2678875). For these reasons, this variant has been classified as Pathogenic.

GeneDx
Classification: Pathogenic. Last evaluated: 2025-05-10. Review status: criteria provided, single submitter. Criteria: GeneDx Variant Classification Process June 2021. Collection method: clinical testing. Allele origin: germline. Affected: yes.
Comment: Nonsense variant predicted to result in protein truncation or nonsense mediated decay in a gene for which loss of function is a known mechanism of disease; Not observed at significant frequency in large population cohorts (gnomAD); Has not been previously published as pathogenic or benign to our knowledge

Baylor Genetics
Classification: Pathogenic for Carnitine acylcarnitine translocase deficiency. Last evaluated: 2022-02-03. Review status: criteria provided, single submitter. Criteria: ACMG Guidelines, 2015. Collection method: clinical testing. Allele origin: unknown.

Literature cited by the submitters: PubMed 25614308 (cited by Labcorp Genetics (formerly Invitae), Labcorp).

NM_000387.6(SLC25A20):c.191_192del (p.Leu63_Phe64insTer)

Gene: SLC25A20 (solute carrier family 25 member 20; minus strand). Cytogenetic location: 3p21.31.
Variant type: Deletion.
Coding change: c.191_192del on transcript NM_000387.6 (MANE Select); coding-DNA positions 191 to 192, 2 bases deleted (TT; older notation c.191_192delTT).
Protein change: p.Leu63_Phe64insTer.
Molecular consequence: nonsense.
Genome position (GRCh38, 1-based): chr3:48,891,986-48,891,987, AA deleted on the plus strand (TT on the coding strand, the reverse complement: SLC25A20 is on the minus strand); deleting any 2 consecutive bases within chr3:48,891,986-48,891,990 gives the same sequence; the c. name uses the placement nearest the transcript's 3' end. VCF-style (leftmost placement, unchanged base first): chr3-48891985-TAA-T. GRCh37 (hg19) VCF-style: chr3-48929418-TAA-T.
Identifiers: ClinVar variation 2678875 (VCV002678875.5), dbSNP rs2083881207, ClinGen allele CA433532474.
Genomic context (GRCh38, chr3:48,891,985, plus strand): 5'-ATCAACCCCGTGAATGTGTTCTGAGTAAGAGGAATGCCCAGCACCATATACCAACCTCTC[TAA>T]AAAGAGTCTTCCGGAAACAGTCAAAGGTCCCAGAGTACATGGGAGGTTGTCCAGGCAAAC-3'